The following is an entry in ClinVar:

NM_145059.3(FCSK):c.363A>G (p.Glu121=)

Gene: FCSK (fucose kinase; plus strand). Cytogenetic location: 16q22.1.
Variant type: single nucleotide variant.
Coding change: c.363A>G on transcript NM_145059.3 (MANE Select); coding-DNA position 363, A replaced by G.
Protein change: p.Glu121=; no amino-acid change (glutamic acid 121 retained).
Molecular consequence: synonymous variant.
Genome position (GRCh38, 1-based): chr16:70,466,209, A>G. VCF-style: chr16-70466209-A-G. GRCh37 (hg19) VCF-style: chr16-70500112-A-G.
Other names: c.363A>G (NM_145059.2).
Identifiers: ClinVar variation 2150328 (VCV002150328.6), dbSNP rs368751074, ClinGen allele CA8142861.

ClinVar aggregate classification (germline): Likely benign. Review status: criteria provided, single submitter (1 of 4 stars). 2 submissions from 2 submitters: Likely benign (1). 1 of the submissions does not count toward it. Last evaluated 2025-07-31.

Conditions:
FCSK-related disorder. Also called: FCSK-related condition.

Allele frequency attached by ClinVar (database versions not stated): gnomAD exomes 0.00001; ExAC 0.00003; gnomAD 0.00009; TOPMed 0.00011; ESP Exome Variant Server 0.00016.
gnomAD v4.1: 29 of 1,613,768 alleles (0.0018%); highest among the groups gnomAD compares: African/African-American, 0.028%; no homozygotes.

Submissions (2):

Labcorp Genetics (formerly Invitae), Labcorp
Classification: Likely benign. Last evaluated: 2025-07-31. Review status: criteria provided, single submitter. Criteria: Invitae Variant Classification Sherloc (09022015). Collection method: clinical testing. Allele origin: germline.

PreventionGenetics, part of Exact Sciences
Classification: Likely benign for FCSK-related condition. Last evaluated: 2020-02-05. Review status: no assertion criteria provided. Collection method: clinical testing. Allele origin: germline. Not counted in ClinVar's aggregate classification.
Comment: This variant is classified as likely benign based on ACMG/AMP sequence variant interpretation guidelines (Richards et al. 2015 PMID: 25741868, with internal and published modifications).